The following is an entry in ClinVar:

ClinVar aggregate classification (germline): Uncertain significance (1 of 4 stars; one submission).

Conditions:
Hereditary cancer-predisposing syndrome. Also called: Neoplastic Syndromes, Hereditary; Tumor predisposition; Hereditary neoplastic syndrome; Hereditary Cancer Syndrome. Identifiers: Orphanet 140162, MedGen C0027672, MeSH D009386, MONDO:0015356.

Submission:

Ambry Genetics
Classification: Uncertain significance for Hereditary cancer-predisposing syndrome. Last evaluated: 2026-07-07. Review status: criteria provided, single submitter. Criteria: Ambry Variant Classification Scheme 2023. Collection method: clinical testing. Allele origin: germline.
Comment: The p.N128S variant (also known as c.383A>G), located in coding exon 4 of the SMARCB1 gene, results from an A to G substitution at nucleotide position 383. The asparagine at codon 128 is replaced by serine, an amino acid with highly similar properties. This amino acid position is conserved. In addition, this alteration is predicted to be tolerated by in silico analysis. Based on the available evidence, the clinical significance of this variant remains unclear.

NM_003073.5(SMARCB1):c.383A>G (p.Asn128Ser)

Gene: SMARCB1 (SWI/SNF related BAF chromatin remodeling complex subunit B1; plus strand). Cytogenetic location: 22q11.23.
Variant type: single nucleotide variant.
Coding change: c.383A>G on transcript NM_003073.5 (MANE Select); coding-DNA position 383, A replaced by G.
Protein change: p.Asn128Ser; replaces asparagine 128 with serine.
Molecular consequence: missense variant.
Genome position (GRCh38, 1-based): chr22:23,800,964, A>G. VCF-style: chr22-23800964-A-G. GRCh37 (hg19) VCF-style: chr22-24143151-A-G.
Other names: c.356A>G, p.Asn119Ser (NM_001007468.3, NM_001317946.2); c.383A>G, p.Asn128Ser (NM_001362877.2); short protein forms N119S, N128S.
Identifiers: ClinVar variation 5029927 (VCV005029927.1).